The following is an entry in ClinVar:

NM_022765.4(MICAL1):c.2348C>G (p.Ser783Ter)

Gene: MICAL1 (microtubule associated monooxygenase, calponin and LIM domain containing 1; minus strand). Cytogenetic location: 6q21.
Variant type: single nucleotide variant.
Coding change: c.2348C>G on transcript NM_022765.4 (MANE Select); coding-DNA position 2348, C replaced by G.
Protein change: p.Ser783Ter; replaces serine 783 with a stop codon.
Molecular consequence: nonsense.
Genome position (GRCh38, 1-based): chr6:109,446,369, G>C on the plus strand (C>G on the coding strand, the complement: MICAL1 is on the minus strand). VCF-style: chr6-109446369-G-C. GRCh37 (hg19) VCF-style: chr6-109767572-G-C.
Other names: c.2090C>G, p.Ser697Ter (NM_001159291.2); c.2405C>G, p.Ser802Ter (NM_001286613.2); short protein forms S697*, S783*, S802*.
Identifiers: ClinVar variation 3027445 (VCV003027445.21), dbSNP rs2482775510, ClinGen allele CA365223962.
Genomic context (GRCh38, chr6:109,446,369, plus strand): 5'-CGGGTGGGCTGGCTGGGATCTGGAACAGGACCGGCCCCCTCCTGCGAGGCTGTGGGAGTT[G>C]AGAGGCCTGGTGGCATGCTATTCTCACTTGGTGTGGGGAGCTCCTGGAAAAGCCACCATG-3'

ClinVar aggregate classification (germline): Conflicting classifications of pathogenicity. Review status: criteria provided, conflicting classifications (1 of 4 stars). 2 submissions from 2 submitters: Likely pathogenic (1); Uncertain significance (1). Last evaluated 2024-04-01.

Conditions:
Epilepsy, familial temporal lobe, 1. Identifiers: Orphanet 101046, MedGen CN030884, MONDO:0700090, OMIM 600512.

Submissions (2):

CeGaT Center for Human Genetics Tuebingen
Classification: Uncertain significance. Last evaluated: 2024-04-01. Review status: criteria provided, single submitter. Criteria: CeGaT Center For Human Genetics Tuebingen Variant Classification Criteria Version 2. Collection method: clinical testing. Allele origin: germline. Affected: yes. Observed: 1 variant allele.
Comment: MICAL1: PM2

Human Genetics Bochum, Ruhr University Bochum
Classification: Likely pathogenic for Epilepsy, familial temporal lobe, 1. Last evaluated: 2023-09-11. Review status: criteria provided, single submitter. Criteria: ACMG Guidelines, 2015. Collection method: clinical testing. Allele origin: germline. Affected: yes.
Comment: ACMG criteria used to clasify this variant: PVS1, PM2_SUP